The following is an entry in ClinVar:

ClinVar aggregate classification (germline): Likely benign (1 of 4 stars; one submission).

Allele frequency attached by ClinVar (database versions not stated): 1000 Genomes Project 0.00759; 1000 Genomes Project 30x 0.00906; TOPMed 0.01285.
gnomAD v4.1: 1,683 of 151,834 alleles (1.1%); highest among the groups gnomAD compares: African/African-American, 3.7%; 36 homozygotes.

Submission:

GeneDx
Classification: Likely benign. Last evaluated: 2018-06-19. Review status: criteria provided, single submitter. Criteria: GeneDx Variant Classification (06012015). Collection method: clinical testing. Allele origin: germline. Affected: yes.
Comment: This variant is considered likely benign or benign based on one or more of the following criteria: it is a conservative change, it occurs at a poorly conserved position in the protein, it is predicted to be benign by multiple in silico algorithms, and/or has population frequency not consistent with disease.

NM_001377299.1(NDUFS2):c.987-273G>C

Gene: NDUFS2 (NADH:ubiquinone oxidoreductase core subunit S2; plus strand). Cytogenetic location: 1q23.3.
Variant type: single nucleotide variant.
Coding change: c.987-273G>C on transcript NM_001377299.1 (MANE Select); 273 bases into the intron before coding-DNA position 987, G replaced by C.
Molecular consequence: intron variant.
Genome position (GRCh38, 1-based): chr1:161,212,078, G>C. VCF-style: chr1-161212078-G-C. GRCh37 (hg19) VCF-style: chr1-161181868-G-C.
Other names: c.987-273G>C (NM_001377300.1, NM_001377298.1, NM_001377301.1 and 3 more transcripts).
Identifiers: ClinVar variation 674170 (VCV000674170.1), dbSNP rs74469233, ClinGen allele CA31674892.